The following is an entry in ClinVar:

NM_015450.3(POT1):c.1130C>A (p.Ser377Tyr)

Gene: POT1 (protection of telomeres 1; minus strand). Cytogenetic location: 7q31.33.
Variant type: single nucleotide variant.
Coding change: c.1130C>A on transcript NM_015450.3 (MANE Select); coding-DNA position 1130, C replaced by A.
Protein change: p.Ser377Tyr; replaces serine 377 with tyrosine.
Molecular consequence: missense variant. On other transcripts: non-coding transcript variant (3).
Genome position (GRCh38, 1-based): chr7:124,842,840, G>T on the plus strand (C>A on the coding strand, the complement: POT1 is on the minus strand). VCF-style: chr7-124842840-G-T. GRCh37 (hg19) VCF-style: chr7-124482894-G-T.
Other names: c.737C>A, p.Ser246Tyr (NM_001042594.2); short protein forms S377Y, S246Y.
Identifiers: ClinVar variation 1728166 (VCV001728166.2), dbSNP rs776187798, ClinGen allele CA369068210.

ClinVar aggregate classification (germline): Uncertain significance (1 of 4 stars; one submission).

Conditions:
Hereditary cancer-predisposing syndrome. Also called: Tumor predisposition; Neoplastic Syndromes, Hereditary; Hereditary Cancer Syndrome; Hereditary neoplastic syndrome. Identifiers: Orphanet 140162, MedGen C0027672, MeSH D009386, MONDO:0015356.

Submission:

Ambry Genetics
Classification: Uncertain significance for Hereditary cancer-predisposing syndrome. Last evaluated: 2021-06-24. Review status: criteria provided, single submitter. Criteria: Ambry Variant Classification Scheme 2023. Collection method: clinical testing. Allele origin: germline.
Comment: The p.S377Y variant (also known as c.1130C>A), located in coding exon 9 of the POT1 gene, results from a C to A substitution at nucleotide position 1130. The serine at codon 377 is replaced by tyrosine, an amino acid with dissimilar properties. This amino acid position is highly conserved in available vertebrate species. In addition, the in silico prediction for this alteration is inconclusive. Since supporting evidence is limited at this time, the clinical significance of this alteration remains unclear.